The following is an entry in ClinVar:

NM_017841.4(SDHAF2):c.326T>C (p.Ile109Thr)

Gene: SDHAF2 (succinate dehydrogenase complex assembly factor 2; plus strand). Cytogenetic location: 11q12.2.
Variant type: single nucleotide variant.
Coding change: c.326T>C on transcript NM_017841.4 (MANE Select); coding-DNA position 326, T replaced by C.
Protein change: p.Ile109Thr; replaces isoleucine 109 with threonine.
Molecular consequence: missense variant.
Genome position (GRCh38, 1-based): chr11:61,438,069, T>C. VCF-style: chr11-61438069-T-C. GRCh37 (hg19) VCF-style: chr11-61205541-T-C.
Other names: short protein forms I109T.
Identifiers: ClinVar variation 2706257 (VCV002706257.4), dbSNP rs1862016537, ClinGen allele CA380684157.

ClinVar aggregate classification (germline): Uncertain significance. Review status: criteria provided, multiple submitters, no conflicts (2 of 4 stars). 2 submissions from 2 submitters: Uncertain significance (2). Last evaluated 2024-07-05.

Conditions:
Hereditary cancer-predisposing syndrome. Also called: Hereditary neoplastic syndrome; Neoplastic Syndromes, Hereditary; Tumor predisposition; Hereditary Cancer Syndrome. Identifiers: Orphanet 140162, MedGen C0027672, MeSH D009386, MONDO:0015356.
Hereditary pheochromocytoma and paraganglioma. Also called: Hereditary Paraganglioma-Pheochromocytoma Syndromes; Hereditary pheochromocytoma-paraganglioma; Hereditary paragangliomas and pheochromocytomas. Identifiers: Orphanet 29072, MedGen C4274332, MONDO:0017366.

Allele frequency attached by ClinVar (database versions not stated): TOPMed below 0.00001.

Submissions (2):

Ambry Genetics
Classification: Uncertain significance for Hereditary cancer-predisposing syndrome. Last evaluated: 2024-07-05. Review status: criteria provided, single submitter. Criteria: Ambry Variant Classification Scheme 2023. Collection method: clinical testing. Allele origin: germline.
Comment: The p.I109T variant (also known as c.326T>C), located in coding exon 3 of the SDHAF2 gene, results from a T to C substitution at nucleotide position 326. The isoleucine at codon 109 is replaced by threonine, an amino acid with similar properties. This amino acid position is conserved. In addition, this alteration is predicted to be deleterious by in silico analysis. Based on the available evidence, the clinical significance of this variant remains unclear.

Labcorp Genetics (formerly Invitae), Labcorp
Classification: Uncertain significance for Hereditary pheochromocytoma and paraganglioma. Last evaluated: 2023-12-29. Review status: criteria provided, single submitter. Criteria: Invitae Variant Classification Sherloc (09022015). Collection method: clinical testing. Allele origin: germline.
Comment: This sequence change replaces isoleucine, which is neutral and non-polar, with threonine, which is neutral and polar, at codon 109 of the SDHAF2 protein (p.Ile109Thr). This variant is not present in population databases (gnomAD no frequency). This variant has not been reported in the literature in individuals affected with SDHAF2-related conditions. An algorithm developed to predict the effect of missense changes on protein structure and function (PolyPhen-2) suggests that this variant is likely to be tolerated. In summary, the available evidence is currently insufficient to determine the role of this variant in disease. Therefore, it has been classified as a Variant of Uncertain Significance.